The following is an entry in ClinVar:

NM_001267550.2(TTN):c.68818G>A (p.Glu22940Lys)

Genes: TTN (titin; minus strand), TTN-AS1 (TTN antisense RNA 1; plus strand). Cytogenetic location: 2q31.2.
Variant type: single nucleotide variant.
Coding change: c.68818G>A on transcript NM_001267550.2 (MANE Select); coding-DNA position 68818, G replaced by A.
Protein change: p.Glu22940Lys; replaces glutamic acid 22940 with lysine.
Molecular consequence: missense variant.
Genome position (GRCh38, 1-based): chr2:178,577,608, C>T on the plus strand (G>A on the coding strand, the complement: TTN is on the minus strand). VCF-style: chr2-178577608-C-T. GRCh37 (hg19) VCF-style: chr2-179442335-C-T.
Other names: c.63895G>A, p.Glu21299Lys (NM_001256850.1); c.41623G>A, p.Glu13875Lys (NM_003319.4); c.61114G>A, p.Glu20372Lys (NM_133378.4); c.41998G>A, p.Glu14000Lys (NM_133432.3); c.42199G>A, p.Glu14067Lys (NM_133437.4); short protein forms E13875K, E14000K, E14067K, E20372K, E21299K, E22940K.
Identifiers: ClinVar variation 1172884 (VCV001172884.6), dbSNP rs1443126035, ClinGen allele CA349671095.

ClinVar aggregate classification (germline): Uncertain significance. Review status: criteria provided, multiple submitters, no conflicts (2 of 4 stars). 4 submissions from 4 submitters: Uncertain significance (4). Last evaluated 2026-02-21.

Conditions:
Cardiovascular phenotype. Identifiers: MedGen CN230736.
TTN-related disorder. Also called: TTN-related disorders; TTN-related condition; TTN-related disease.

Allele frequency attached by ClinVar (database versions not stated): gnomAD exomes 0.00001; gnomAD 0.00002; TOPMed 0.00003.
gnomAD v4.1: 11 of 1,604,116 alleles (0.00069%); highest among the groups gnomAD compares: Admixed American, 0.0068%; no homozygotes.

Submissions (4):

PreventionGenetics, part of Exact Sciences
Classification: Uncertain significance for TTN-related condition. Last evaluated: 2026-02-21. Review status: criteria provided, single submitter. Criteria: ACMG Guidelines, 2015. Collection method: clinical testing. Allele origin: germline.
Comment: The TTN c.68818G>A variant is predicted to result in the amino acid substitution p.Glu22940Lys. This variant has been reported in individuals with arrhythmogenic right ventricular cardiomyopathy and sudden unexplained death (described as p.Glu20372Lys in Table S1, Campuzano et al. 2015. PubMed ID: 26516846). This variant is reported in 0.0030% of alleles in individuals of Latino descent in gnomAD. At this time, the clinical significance of this variant is uncertain due to the absence of conclusive functional and genetic evidence.

Revvity Omics, Revvity
Classification: Uncertain significance. Last evaluated: 2023-06-30. Review status: criteria provided, single submitter. Criteria: ACMG Guidelines, 2015. Collection method: clinical testing. Allele origin: germline.

Women's Health and Genetics/Laboratory Corporation of America, LabCorp
Classification: Uncertain significance. Last evaluated: 2021-06-14. Review status: criteria provided, single submitter. Criteria: LabCorp Variant Classification Summary - May 2015. Collection method: clinical testing. Allele origin: germline.
Comment: Variant summary: TTN c.61114G>A (p.Glu20372Lys) results in a conservative amino acid change located in the A-band region of the encoded protein sequence. Three of five in-silico tools predict a damaging effect of the variant on protein function. The variant allele was found at a frequency of 1.2e-05 in 241582 control chromosomes. The available data on variant occurrences in the general population are insufficient to allow any conclusion about variant significance. To our knowledge, there are not reports of c.61114G>A in individuals affected with Dilated Cardiomyopathy, and no experimental evidence demonstrating an impact on protein function has been reported in the literature. No clinical diagnostic laboratories have submitted clinical-significance assessments for this variant to ClinVar after 2014. Based on the evidence outlined above, the variant was classified as uncertain significance.

Ambry Genetics
Classification: Uncertain significance for Cardiovascular phenotype. Last evaluated: 2018-05-10. Review status: criteria provided, single submitter. Criteria: Ambry Variant Classification Scheme 2023. Collection method: clinical testing. Allele origin: germline.
Comment: The p.E13875K variant (also known as c.41623G>A), located in coding exon 150 of the TTN gene, results from a G to A substitution at nucleotide position 41623. The glutamic acid at codon 13875 is replaced by lysine, an amino acid with similar properties. This amino acid position is highly conserved in available vertebrate species. In addition, the in silico prediction for this alteration is inconclusive. Since supporting evidence is limited at this time, the clinical significance of this alteration remains unclear.

Literature cited by the submitters: PubMed 26516846 (cited by Women's Health and Genetics/Laboratory Corporation of America, LabCorp).